The following is an entry in ClinVar:

NC_000002.11:g.(?_73646231)_(73659439_?)del

Gene: ALMS1 (ALMS1 centrosome and basal body associated protein; plus strand). Cytogenetic location: 2p13.1.
Variant type: Deletion.
Identifiers: ClinVar variation 2426071 (VCV002426071.4).

ClinVar aggregate classification (germline): Pathogenic (1 of 4 stars; one submission).

Conditions:
Alstrom syndrome (ALMS). Identifiers: Orphanet 64, MedGen C0268425, MONDO:0008763, OMIM 203800.

Submission:

Labcorp Genetics (formerly Invitae), Labcorp
Classification: Pathogenic for Alstrom syndrome. Last evaluated: 2022-02-21. Review status: criteria provided, single submitter. Criteria: Invitae Variant Classification Sherloc (09022015). Collection method: clinical testing. Allele origin: germline.
Comment: For these reasons, this variant has been classified as Pathogenic. This variant has not been reported in the literature in individuals affected with ALMS1-related conditions. This variant is a gross deletion of the genomic region encompassing exon(s) 3-7 of the ALMS1 gene. This deletion is out-of-frame, and is expected to create a premature termination codon and result in an absent or disrupted protein product. Loss-of-function variants in ALMS1 are known to be pathogenic (PMID: 17594715).

Literature cited by the submitters: PubMed 17594715.